The following is an entry in ClinVar:

NM_006379.5(SEMA3C):c.1009G>A (p.Val337Met)

Gene: SEMA3C (semaphorin 3C; minus strand). Cytogenetic location: 7q21.11.
Variant type: single nucleotide variant.
Coding change: c.1009G>A on transcript NM_006379.5 (MANE Select); coding-DNA position 1009, G replaced by A.
Protein change: p.Val337Met; replaces valine 337 with methionine.
Molecular consequence: missense variant.
Genome position (GRCh38, 1-based): chr7:80,798,214, C>T on the plus strand (G>A on the coding strand, the complement: SEMA3C is on the minus strand). VCF-style: chr7-80798214-C-T. GRCh37 (hg19) VCF-style: chr7-80427530-C-T.
Other names: NC_000007.13:g.80427530C>T; c.1063G>A, p.Val355Met (NM_001350120.2); c.835G>A, p.Val279Met (NM_001350121.2); c.1063G>A (NM_001350120.1); short protein forms V279M, V337M, V355M.
Identifiers: ClinVar variation 1272490 (VCV001272490.5), dbSNP rs1527482, ClinGen allele CA4316240.

ClinVar aggregate classification (germline): Benign. Review status: criteria provided, multiple submitters, no conflicts (2 of 4 stars). 3 submissions from 3 submitters: Benign (2). 1 of the submissions does not count toward it. Last evaluated 2020-06-05.

Conditions:
SEMA3C-related disorder. Also called: SEMA3C-related condition.

Allele frequency attached by ClinVar (database versions not stated): ESP Exome Variant Server 0.00500; gnomAD 0.01241 and 0.01448; TOPMed 0.01920; ExAC 0.02655; gnomAD exomes 0.02835; 1000 Genomes Project 30x 0.03779; 1000 Genomes Project 0.03994.
gnomAD v4.1: 18,706 of 1,488,400 alleles (1.3%); highest among the groups gnomAD compares: Admixed American, 12%; 591 homozygotes.

Submissions (14):

GeneDx
Classification: Benign. Last evaluated: 2020-06-05. Review status: criteria provided, single submitter. Criteria: GeneDx Variant Classification Process June 2021. Collection method: clinical testing. Allele origin: germline. Affected: yes.
Comment: This variant is associated with the following publications: (PMID: 25839327, 21898659, 31240788)

Breakthrough Genomics
Classification: Benign. Review status: criteria provided, single submitter. Criteria: ACMG Guidelines, 2015. Collection method: not provided. Allele origin: germline. Inheritance: Unknown mechanism. Affected: yes.

PreventionGenetics, part of Exact Sciences
Classification: Benign for SEMA3C-related condition. Last evaluated: 2022-09-24. Review status: no assertion criteria provided. Collection method: clinical testing. Allele origin: germline. Not counted in ClinVar's aggregate classification.
Comment: This variant is classified as benign based on ACMG/AMP sequence variant interpretation guidelines (Richards et al. 2015 PMID: 25741868, with internal and published modifications).

Dr. Peter K. Rogan Lab, Western University
No classification provided (evidence only). Condition: Clear cell carcinoma of kidney. Review status: no classification provided. Collection method: in vitro. Allele origin: not applicable. Functional consequence: retained intron. Not counted in ClinVar's aggregate classification.

Dr. Peter K. Rogan Lab, Western University
No classification provided (evidence only). Condition: Clear cell carcinoma of kidney. Review status: no classification provided. Collection method: in vitro. Allele origin: not applicable. Functional consequence: retained intron. Not counted in ClinVar's aggregate classification.

Dr. Peter K. Rogan Lab, Western University
No classification provided (evidence only). Condition: Clear cell carcinoma of kidney. Review status: no classification provided. Collection method: in vitro. Allele origin: not applicable. Functional consequence: retained intron. Not counted in ClinVar's aggregate classification.

Dr. Peter K. Rogan Lab, Western University
No classification provided (evidence only). Condition: Cervical cancer. Review status: no classification provided. Collection method: in vitro. Allele origin: not applicable. Functional consequence: retained intron. Not counted in ClinVar's aggregate classification.

Dr. Peter K. Rogan Lab, Western University
No classification provided (evidence only). Condition: Cervical cancer. Review status: no classification provided. Collection method: in vitro. Allele origin: not applicable. Functional consequence: retained intron. Not counted in ClinVar's aggregate classification.

Dr. Peter K. Rogan Lab, Western University
No classification provided (evidence only). Condition: Cervical cancer. Review status: no classification provided. Collection method: in vitro. Allele origin: not applicable. Functional consequence: retained intron. Not counted in ClinVar's aggregate classification.

Dr. Peter K. Rogan Lab, Western University
No classification provided (evidence only). Condition: Hepatocellular carcinoma. Review status: no classification provided. Collection method: in vitro. Allele origin: not applicable. Functional consequence: retained intron. Not counted in ClinVar's aggregate classification.

Dr. Peter K. Rogan Lab, Western University
No classification provided (evidence only). Condition: Nonpapillary renal cell carcinoma. Review status: no classification provided. Collection method: in vitro. Allele origin: not applicable. Functional consequence: retained intron. Not counted in ClinVar's aggregate classification.

Dr. Peter K. Rogan Lab, Western University
No classification provided (evidence only). Condition: Ovarian serous cystadenocarcinoma. Review status: no classification provided. Collection method: in vitro. Allele origin: not applicable. Functional consequence: retained intron. Not counted in ClinVar's aggregate classification.

Dr. Peter K. Rogan Lab, Western University
No classification provided (evidence only). Condition: Malignant tumor of esophagus. Review status: no classification provided. Collection method: in vitro. Allele origin: not applicable. Functional consequence: retained intron. Not counted in ClinVar's aggregate classification.

Dr. Peter K. Rogan Lab, Western University
No classification provided (evidence only). Condition: Malignant tumor of esophagus. Review status: no classification provided. Collection method: in vitro. Allele origin: not applicable. Functional consequence: retained intron. Not counted in ClinVar's aggregate classification.